The following is an entry in ClinVar:

NM_002016.2(FLG):c.447del (p.Arg151fs)

Genes: CCDST (cervical cancer associated DHX9 suppressive transcript; plus strand), FLG (filaggrin; minus strand). Cytogenetic location: 1q21.3.
Variant type: Deletion.
Coding change: c.447del on transcript NM_002016.2 (MANE Select); coding-DNA position 447, one base deleted (G; older notation c.447delG).
Protein change: p.Arg151fs; shifts the reading frame from arginine 151.
Molecular consequence: frameshift variant.
Genome position (GRCh38, 1-based): chr1:152,314,439, C deleted on the plus strand (G on the coding strand, the reverse complement: FLG is on the minus strand); the first of 6 consecutive C bases (chr1:152,314,439-152,314,444); deleting any one gives the same sequence. VCF-style (leftmost placement, unchanged base first): chr1-152314438-TC-T. GRCh37 (hg19) VCF-style: chr1-152286914-TC-T.
Other names: short protein forms R151fs.
Identifiers: ClinVar variation 5019347 (VCV005019347.2).

ClinVar aggregate classification (germline): Uncertain significance (1 of 4 stars; one submission).

Conditions:
Ichthyosis vulgaris. Also called: ICHTHYOSIS SIMPLEX; Dominant ichthyosis vulgaris. Identifiers: MedGen C0079584, MONDO:0024304, OMIM 146700.
Dermatitis, atopic, 2. Identifiers: MedGen C1853965, MONDO:0011596, OMIM 605803.

Submission:

Juno Genomics, Hangzhou Juno Genomics, Inc
Classification: Uncertain significance for Dermatitis, atopic, 2; Ichthyosis vulgaris. Review status: criteria provided, single submitter. Criteria: ACMG Guidelines, 2015. Collection method: clinical testing. Allele origin: germline.
Comment: Absent from controls (or at extremely low frequency if recessive) in Genome Aggregation Database.;Null variant in a gene where loss of function (LOF) is a known mechanism of disease.